The following is an entry in ClinVar:

NM_014915.3(ANKRD26):c.253C>T (p.His85Tyr)

Gene: ANKRD26 (ankyrin repeat domain 26; minus strand). Cytogenetic location: 10p12.1.
Variant type: single nucleotide variant.
Coding change: c.253C>T on transcript NM_014915.3 (MANE Select); coding-DNA position 253, C replaced by T.
Protein change: p.His85Tyr; replaces histidine 85 with tyrosine.
Molecular consequence: missense variant.
Genome position (GRCh38, 1-based): chr10:27,093,789, G>A on the plus strand (C>T on the coding strand, the complement: ANKRD26 is on the minus strand). VCF-style: chr10-27093789-G-A. GRCh37 (hg19) VCF-style: chr10-27382718-G-A.
Other names: c.253C>T, p.His85Tyr (NM_001256053.2); short protein forms H85Y.
Identifiers: ClinVar variation 4859213 (VCV004859213.1).
Genomic context (GRCh38, chr10:27,093,789, plus strand): 5'-GGCATTTTCTGTCCACCAGGAGAGTTACTACTTCTGGATGACCATTGGCACAGGCCAAAT[G>A]TAGAGCCGTCCTATGAGAGTGACAGGACTTTTTATAAACTGTAGTGCACTGTCTCAAAAC-3'
Protein context (NP_055730.2, residues 75-95): DRDKMNRTAL[His85Tyr]LACANGHPEV

ClinVar aggregate classification (germline): Uncertain significance (1 of 4 stars; one submission).

Conditions:
Inborn genetic diseases. Identifiers: MedGen C0950123, MeSH D030342.

gnomAD v4.1: 13 of 1,613,822 alleles (0.00081%); highest among the groups gnomAD compares: Non-Finnish European, 0.001%; no homozygotes.

Submission:

Ambry Genetics
Classification: Uncertain significance for Inborn genetic diseases. Last evaluated: 2026-04-04. Review status: criteria provided, single submitter. Criteria: Ambry Variant Classification Scheme 2023. Collection method: clinical testing. Allele origin: germline.
Comment: The p.H85Y variant (also known as c.253C>T), located in coding exon 2 of the ANKRD26 gene, results from a C to T substitution at nucleotide position 253. The histidine at codon 85 is replaced by tyrosine, an amino acid with similar properties. This amino acid position is conserved. In addition, this alteration is predicted to be deleterious by in silico analysis. Based on the available evidence, the clinical significance of this variant remains unclear.